The following is an entry in ClinVar:

NM_000138.5(FBN1):c.-117del

Genes: FBN1 (fibrillin 1; minus strand), LOC130057020 (ATAC-STARR-seq lymphoblastoid silent region 6418; plus strand). Cytogenetic location: 15q21.1.
Variant type: Deletion.
Coding change: c.-117del on transcript NM_000138.5 (MANE Select); 117 bases upstream of the start codon, one base deleted (A; older notation c.-117delA).
Molecular consequence: 5 prime UTR variant.
Genome position (GRCh38, 1-based): chr15:48,644,886, T deleted on the plus strand (A on the coding strand, the reverse complement: FBN1 is on the minus strand). VCF-style (leftmost placement, unchanged base first): chr15-48644885-GT-G. GRCh37 (hg19) VCF-style: chr15-48937082-GT-G.
Other names: c.-117delA (NM_000138.4).
Identifiers: ClinVar variation 36032 (VCV000036032.3), dbSNP rs193922178, ClinGen allele CA012002.

ClinVar aggregate classification (germline): Uncertain significance (1 of 4 stars; one submission).

Conditions:
Marfan syndrome (MFS). Also called: FBN1-Related Marfan Syndrome; Marfan syndrome type 1; Marfan's syndrome; Marfan syndrome, classic; MARFAN SYNDROME, TYPE I. Identifiers: Orphanet 284963, Orphanet 558, MedGen C0024796, MONDO:0007947, OMIM 154700.

Submission:

Women's Health and Genetics/Laboratory Corporation of America, LabCorp
Classification: Uncertain significance for Marfan Syndrome. Last evaluated: 2011-08-18. Review status: criteria provided, single submitter. Criteria: LabCorp Variant Classification Summary - May 2015. Collection method: curation, clinical testing. Allele origin: germline. Inheritance: autosomal unknown. Affected: yes.
ClinVar note: Converted during submission from uncertain to Uncertain significance.